The following is an entry in ClinVar:

ClinVar aggregate classification (germline): Uncertain significance. Review status: criteria provided, multiple submitters, no conflicts (2 of 4 stars). 3 submissions from 3 submitters: Uncertain significance (3). Last evaluated 2025-03-21.

Conditions:
Inborn genetic diseases. Identifiers: MedGen C0950123, MeSH D030342.

Allele frequency attached by ClinVar (database versions not stated): gnomAD exomes below 0.00001; TOPMed below 0.00001.
gnomAD v4.1: 2 of 1,536,730 alleles (0.00013%); highest among the groups gnomAD compares: Admixed American, 0.0039%; no homozygotes.

Submissions (3):

Ambry Genetics
Classification: Uncertain significance for Inborn genetic diseases. Last evaluated: 2025-03-21. Review status: criteria provided, single submitter. Criteria: Ambry Variant Classification Scheme 2023. Collection method: clinical testing. Allele origin: germline.

GeneDx
Classification: Uncertain significance. Last evaluated: 2024-10-24. Review status: criteria provided, single submitter. Criteria: GeneDx Variant Classification Process June 2021. Collection method: clinical testing. Allele origin: germline.
Comment: Not observed at significant frequency in large population cohorts (gnomAD); In silico analysis supports that this missense variant has a deleterious effect on protein structure/function; Has not been previously published as pathogenic or benign to our knowledge

Labcorp Genetics (formerly Invitae), Labcorp
Classification: Uncertain significance. Last evaluated: 2023-03-01. Review status: criteria provided, single submitter. Criteria: Invitae Variant Classification Sherloc (09022015). Collection method: clinical testing. Allele origin: germline.
Comment: This sequence change replaces serine, which is neutral and polar, with alanine, which is neutral and non-polar, at codon 36 of the MAGEL2 protein (p.Ser36Ala). This variant is not present in population databases (gnomAD no frequency). This variant has not been reported in the literature in individuals affected with MAGEL2-related conditions. Experimental studies and prediction algorithms are not available or were not evaluated, and the functional significance of this variant is currently unknown. In summary, the available evidence is currently insufficient to determine the role of this variant in disease. Therefore, it has been classified as a Variant of Uncertain Significance.

NM_019066.5(MAGEL2):c.106T>G (p.Ser36Ala)

Gene: MAGEL2 (MAGE family member L2; minus strand). Cytogenetic location: 15q11.2.
Variant type: single nucleotide variant.
Coding change: c.106T>G on transcript NM_019066.5 (MANE Select); coding-DNA position 106, T replaced by G.
Protein change: p.Ser36Ala; replaces serine 36 with alanine.
Molecular consequence: missense variant.
Genome position (GRCh38, 1-based): chr15:23,647,637, A>C on the plus strand (T>G on the coding strand, the complement: MAGEL2 is on the minus strand). VCF-style: chr15-23647637-A-C. GRCh37 (hg19) VCF-style: chr15-23892784-A-C.
Other names: short protein forms S36A.
Identifiers: ClinVar variation 2500407 (VCV002500407.6), dbSNP rs1890449183, ClinGen allele CA391337902.